The following is an entry in ClinVar:

ClinVar aggregate classification (germline): Conflicting classifications of pathogenicity. Review status: criteria provided, conflicting classifications (1 of 4 stars). 3 submissions from 3 submitters: Uncertain significance (1); Likely benign (2). Last evaluated 2026-01-26.

Conditions:
KBG syndrome (KBGS). Also called: ANKRD11-Related KBG Syndrome. Identifiers: Orphanet 2332, MedGen C0220687, MONDO:0007846, OMIM 148050.
Inborn genetic diseases. Identifiers: MedGen C0950123, MeSH D030342.

Allele frequency attached by ClinVar (database versions not stated): gnomAD exomes 0.00003; ExAC 0.00006; TOPMed 0.00007; ESP Exome Variant Server 0.00008; gnomAD 0.00013; 1000 Genomes Project 30x 0.00016; 1000 Genomes Project 0.00020.
gnomAD v4.1: 71 of 1,614,198 alleles (0.0044%); highest among the groups gnomAD compares: Middle Eastern, 0.082%; no homozygotes.

Submissions (3):

Labcorp Genetics (formerly Invitae), Labcorp
Classification: Uncertain significance for KBG syndrome. Last evaluated: 2026-01-26. Review status: criteria provided, single submitter. Criteria: Invitae Variant Classification Sherloc (09022015). Collection method: clinical testing. Allele origin: germline.
Comment: This sequence change replaces alanine, which is neutral and non-polar, with valine, which is neutral and non-polar, at codon 1664 of the ANKRD11 protein (p.Ala1664Val). This variant is present in population databases (rs201160642, gnomAD 0.01%). This variant has not been reported in the literature in individuals affected with ANKRD11-related conditions. ClinVar contains an entry for this variant (Variation ID: 1744602). Invitae Evidence Modeling of protein sequence and biophysical properties (such as structural, functional, and spatial information, amino acid conservation, physicochemical variation, residue mobility, and thermodynamic stability) indicates that this missense variant is not expected to disrupt ANKRD11 protein function with a negative predictive value of 95%. In summary, the available evidence is currently insufficient to determine the role of this variant in disease. Therefore, it has been classified as a Variant of Uncertain Significance.

Blueprint Genetics
Classification: Likely benign. Last evaluated: 2023-09-12. Review status: criteria provided, single submitter. Criteria: ACMG Guidelines, 2015. Collection method: clinical testing. Allele origin: germline.

Ambry Genetics
Classification: Likely benign for Inborn genetic diseases. Last evaluated: 2018-03-10. Review status: criteria provided, single submitter. Criteria: Ambry Variant Classification Scheme 2023. Collection method: clinical testing. Allele origin: germline.

NM_013275.6(ANKRD11):c.4991C>T (p.Ala1664Val)

Gene: ANKRD11 (ankyrin repeat domain 11; minus strand). Cytogenetic location: 16q24.3.
Variant type: single nucleotide variant.
Coding change: c.4991C>T on transcript NM_013275.6 (MANE Select); coding-DNA position 4991, C replaced by T.
Protein change: p.Ala1664Val; replaces alanine 1664 with valine.
Molecular consequence: missense variant.
Genome position (GRCh38, 1-based): chr16:89,281,551, G>A on the plus strand (C>T on the coding strand, the complement: ANKRD11 is on the minus strand). VCF-style: chr16-89281551-G-A. GRCh37 (hg19) VCF-style: chr16-89347959-G-A.
Other names: c.4991C>T, p.Ala1664Val (NM_001256182.2, NM_001256183.2); short protein forms A1664V.
Identifiers: ClinVar variation 1744602 (VCV001744602.8), dbSNP rs201160642, ClinGen allele CA8241983.